The following is an entry in ClinVar:

NM_003482.4(KMT2D):c.2241_2258del (p.Glu748_Ser753del)

Gene: KMT2D (lysine methyltransferase 2D; minus strand). Cytogenetic location: 12q13.12.
Variant type: Deletion.
Coding change: c.2241_2258del on transcript NM_003482.4 (MANE Select); coding-DNA positions 2241 to 2258, 18 bases deleted (TGAGGAGCCGCACCTGTC).
Protein change: p.Glu748_Ser753del.
Molecular consequence: inframe deletion.
Genome position (GRCh38, 1-based): chr12:49,051,425-49,051,442, GACAGGTGCGGCTCCTCA deleted on the plus strand (TGAGGAGCCGCACCTGTC on the coding strand, the reverse complement: KMT2D is on the minus strand); deleting any 18 consecutive bases within chr12:49,051,425-49,051,443 gives the same sequence; the c. name uses the placement nearest the transcript's 3' end. VCF-style (leftmost placement, unchanged base first): chr12-49051424-GGACAGGTGCGGCTCCTCA-G. GRCh37 (hg19) VCF-style: chr12-49445207-GGACAGGTGCGGCTCCTCA-G.
Identifiers: ClinVar variation 952129 (VCV000952129.9), dbSNP rs1938001760, ClinGen allele CA1139662615.
Genomic context (GRCh38, chr12:49,051,424, plus strand): 5'-CTGGGGGGACAGGTGTGGCTCCTCAGCCTGCGGAGATAGGTGTGGCTCCTCAGGCCGGGG[GGACAGGTGCGGCTCCTCA>G]GGCCGGGGTGACAGGTGCGGCCCCTCGGACCGGGGGCAGAGTTGCGGCTCCTCAGGTAGT-3'

ClinVar aggregate classification (germline): Uncertain significance (1 of 4 stars; one submission).

Conditions:
Kabuki syndrome. Also called: NIIKAWA-KUROKI SYNDROME; Kabuki make-up syndrome. Identifiers: Orphanet 2322, MedGen C0796004, MONDO:0016512.

Submission:

Labcorp Genetics (formerly Invitae), Labcorp
Classification: Uncertain significance for Kabuki syndrome. Last evaluated: 2025-08-13. Review status: criteria provided, single submitter. Criteria: Invitae Variant Classification Sherloc (09022015). Collection method: clinical testing. Allele origin: germline.
Comment: This variant, c.2241_2258del, results in the deletion of 6 amino acid(s) of the KMT2D protein (p.Glu748_Ser753del), but otherwise preserves the integrity of the reading frame. This variant is not present in population databases (gnomAD no frequency). This variant has not been reported in the literature in individuals affected with KMT2D-related conditions. ClinVar contains an entry for this variant (Variation ID: 952129). Experimental studies and prediction algorithms are not available or were not evaluated, and the functional significance of this variant is currently unknown. In summary, the available evidence is currently insufficient to determine the role of this variant in disease. Therefore, it has been classified as a Variant of Uncertain Significance.